The following is an entry in ClinVar:

ClinVar aggregate classification (germline): Pathogenic (1 of 4 stars; one submission).

Submission:

Labcorp Genetics (formerly Invitae), Labcorp
Classification: Pathogenic. Last evaluated: 2023-10-25. Review status: criteria provided, single submitter. Criteria: Invitae Variant Classification Sherloc (09022015). Collection method: clinical testing. Allele origin: germline.
Comment: This sequence change creates a premature translational stop signal (p.Phe2748*) in the VPS13A gene. It is expected to result in an absent or disrupted protein product. Loss-of-function variants in VPS13A are known to be pathogenic (PMID: 12404112, 21598378). This variant is not present in population databases (gnomAD no frequency). This variant has not been reported in the literature in individuals affected with VPS13A-related conditions. Algorithms developed to predict the effect of sequence changes on RNA splicing suggest that this variant may disrupt the consensus splice site. For these reasons, this variant has been classified as Pathogenic.

Literature cited by the submitters: PubMed 12404112; PubMed 21598378.

NM_033305.3(VPS13A):c.8243_8250del (p.Ala2747_Phe2748insTer)

Gene: VPS13A (vacuolar protein sorting 13 homolog A; plus strand). Cytogenetic location: 9q21.2.
Variant type: Deletion.
Coding change: c.8243_8250del on transcript NM_033305.3 (MANE Select); coding-DNA positions 8243 to 8250, 8 bases deleted (TCAAAGAA; older notation c.8243_8250delTCAAAGAA).
Protein change: p.Ala2747_Phe2748insTer.
Molecular consequence: nonsense.
Genome position (GRCh38, 1-based): chr9:77,365,491-77,365,498, TCAAAGAA deleted. VCF-style (leftmost placement, unchanged base first): chr9-77365490-TTCAAAGAA-T. GRCh37 (hg19) VCF-style: chr9-79980406-TTCAAAGAA-T.
Other names: c.8243_8250del, p.Ala2747_Phe2748insTer (NM_015186.4, NM_001018038.3); c.8126_8133del, p.Ala2708_Phe2709insTer (NM_001018037.2).
Identifiers: ClinVar variation 2771743 (VCV002771743.3), dbSNP rs2538180519, ClinGen allele CA2697557834.
Genomic context (GRCh38, chr9:77,365,490, plus strand): 5'-TAGTTTTAATATTTTGTGTTCCTTTTATAGGTTGAGCTTTTTCATAAAGATATAGAAGCT[TTCAAAGAA>T]GAATATAAAACAGCCTCATTAGTAGATCAATCACAAGTCAGCCTCTATGAATATTTTCAT-3'